The following is an entry in ClinVar:

NM_000083.3(CLCN1):c.338A>C (p.Lys113Thr)

Gene: CLCN1 (chloride voltage-gated channel 1; plus strand). Cytogenetic location: 7q34.
Variant type: single nucleotide variant.
Coding change: c.338A>C on transcript NM_000083.3 (MANE Select); coding-DNA position 338, A replaced by C.
Protein change: p.Lys113Thr; replaces lysine 113 with threonine.
Molecular consequence: missense variant. On other transcripts: non-coding transcript variant (1).
Genome position (GRCh38, 1-based): chr7:143,320,700, A>C. VCF-style: chr7-143320700-A-C. GRCh37 (hg19) VCF-style: chr7-143017793-A-C.
Other names: short protein forms K113T.
Identifiers: ClinVar variation 3747869 (VCV003747869.2).

ClinVar aggregate classification (germline): Uncertain significance (1 of 4 stars; one submission).

Conditions:
Congenital myotonia, autosomal dominant form (THD). Also called: THOMSEN DISEASE; Myotonia congenita autosomal dominant. Identifiers: Orphanet 614, MedGen C2936781, MONDO:0008055, OMIM 160800.
Congenital myotonia, autosomal recessive form. Also called: Becker Generalized Myotonia; myotonia congenita, autosomal recessive; BECKER DISEASE. Identifiers: Orphanet 614, MedGen C0751360, MONDO:0009715, OMIM 255700.

Submission:

Labcorp Genetics (formerly Invitae), Labcorp
Classification: Uncertain significance for Congenital myotonia, autosomal recessive form; Congenital myotonia, autosomal dominant form. Last evaluated: 2024-10-01. Review status: criteria provided, single submitter. Criteria: Invitae Variant Classification Sherloc (09022015). Collection method: clinical testing. Allele origin: germline.
Comment: This sequence change replaces lysine, which is basic and polar, with threonine, which is neutral and polar, at codon 113 of the CLCN1 protein (p.Lys113Thr). This variant is present in population databases (no rsID available, gnomAD 0.02%). This variant has not been reported in the literature in individuals affected with CLCN1-related conditions. Invitae Evidence Modeling of protein sequence and biophysical properties (such as structural, functional, and spatial information, amino acid conservation, physicochemical variation, residue mobility, and thermodynamic stability) has been performed for this missense variant. However, the output from this modeling did not meet the statistical confidence thresholds required to predict the impact of this variant on CLCN1 protein function. In summary, the available evidence is currently insufficient to determine the role of this variant in disease. Therefore, it has been classified as a Variant of Uncertain Significance.